The following is an entry in ClinVar:

ClinVar aggregate classification (germline): Uncertain significance (1 of 4 stars; one submission).

Conditions:
Holocarboxylase synthetase deficiency. Also called: MULTIPLE CARBOXYLASE DEFICIENCY, EARLY ONSET. Identifiers: Orphanet 79242, MedGen C0268581, MONDO:0009666, OMIM 253270.

Allele frequency attached by ClinVar (database versions not stated): gnomAD 0.00001; gnomAD exomes 0.00003; TOPMed 0.00004; ExAC 0.00005; ESP Exome Variant Server 0.00008.
gnomAD v4.1: 48 of 1,614,028 alleles (0.003%); highest among the groups gnomAD compares: Admixed American, 0.018%; no homozygotes.

Submission:

Labcorp Genetics (formerly Invitae), Labcorp
Classification: Uncertain significance for Holocarboxylase synthetase deficiency. Last evaluated: 2022-06-01. Review status: criteria provided, single submitter. Criteria: Invitae Variant Classification Sherloc (09022015). Collection method: clinical testing. Allele origin: germline.
Comment: This sequence change replaces alanine, which is neutral and non-polar, with valine, which is neutral and non-polar, at codon 499 of the HLCS protein (p.Ala499Val). This variant is present in population databases (rs375000063, gnomAD 0.03%). This variant has not been reported in the literature in individuals affected with HLCS-related conditions. Advanced modeling of protein sequence and biophysical properties (such as structural, functional, and spatial information, amino acid conservation, physicochemical variation, residue mobility, and thermodynamic stability) performed at Invitae indicates that this missense variant is expected to disrupt HLCS protein function. In summary, the available evidence is currently insufficient to determine the role of this variant in disease. Therefore, it has been classified as a Variant of Uncertain Significance.

NM_001352514.2(HLCS):c.1937C>T (p.Ala646Val)

Gene: HLCS (holocarboxylase synthetase; minus strand). Cytogenetic location: 21q22.13.
Variant type: single nucleotide variant.
Coding change: c.1937C>T on transcript NM_001352514.2 (MANE Select); coding-DNA position 1937, C replaced by T.
Protein change: p.Ala646Val; replaces alanine 646 with valine.
Molecular consequence: missense variant. On other transcripts: non-coding transcript variant (2).
Genome position (GRCh38, 1-based): chr21:36,767,241, G>A on the plus strand (C>T on the coding strand, the complement: HLCS is on the minus strand). VCF-style: chr21-36767241-G-A. GRCh37 (hg19) VCF-style: chr21-38139542-G-A.
Other names: c.1496C>T, p.Ala499Val (NM_000411.8, NM_001242784.3, NM_001242785.2 and 4 more transcripts); short protein forms A499V, A646V.
Identifiers: ClinVar variation 2044654 (VCV002044654.1), dbSNP rs375000063, ClinGen allele CA10020421.